The following is an entry in ClinVar:

NM_000062.3(SERPING1):c.431A>T (p.Asp144Val)

Gene: SERPING1 (serpin family G member 1; plus strand). Cytogenetic location: 11q12.1.
Variant type: single nucleotide variant.
Coding change: c.431A>T on transcript NM_000062.3 (MANE Select); coding-DNA position 431, A replaced by T.
Protein change: p.Asp144Val; replaces aspartic acid 144 with valine.
Molecular consequence: missense variant.
Genome position (GRCh38, 1-based): chr11:57,600,258, A>T. VCF-style: chr11-57600258-A-T. GRCh37 (hg19) VCF-style: chr11-57367731-A-T.
Other names: c.431A>T, p.Asp144Val (NM_001032295.2); short protein forms D144V.
Identifiers: ClinVar variation 1482260 (VCV001482260.8), dbSNP rs2135308698, ClinGen allele CA380695350.

ClinVar aggregate classification (germline): Uncertain significance (1 of 4 stars; one submission).

Allele frequency attached by ClinVar (database versions not stated): gnomAD exomes below 0.00001.
gnomAD v4.1: 1 of 1,614,094 alleles (0.000062%); highest among the groups gnomAD compares: Non-Finnish European, 0.000085%; no homozygotes.

Submission:

Labcorp Genetics (formerly Invitae), Labcorp
Classification: Uncertain significance. Last evaluated: 2024-10-21. Review status: criteria provided, single submitter. Criteria: Invitae Variant Classification Sherloc (09022015). Collection method: clinical testing. Allele origin: germline.
Comment: This sequence change replaces aspartic acid, which is acidic and polar, with valine, which is neutral and non-polar, at codon 144 of the SERPING1 protein (p.Asp144Val). This variant is not present in population databases (gnomAD no frequency). This variant has not been reported in the literature in individuals affected with SERPING1-related conditions. ClinVar contains an entry for this variant (Variation ID: 1482260). Invitae Evidence Modeling of protein sequence and biophysical properties (such as structural, functional, and spatial information, amino acid conservation, physicochemical variation, residue mobility, and thermodynamic stability) has been performed for this missense variant. However, the output from this modeling did not meet the statistical confidence thresholds required to predict the impact of this variant on SERPING1 protein function. In summary, the available evidence is currently insufficient to determine the role of this variant in disease. Therefore, it has been classified as a Variant of Uncertain Significance.